The following is an entry in ClinVar:

ClinVar aggregate classification (germline): Benign/Likely benign. Review status: criteria provided, multiple submitters, no conflicts (2 of 4 stars). 3 submissions from 3 submitters: Benign (1); Likely benign (2). Last evaluated 2023-10-12.

Conditions:
Pancreatic adenocarcinoma. Identifiers: MedGen C0281361, MONDO:0006047, HP:0006725.
Pancreatic cancer, susceptibility to, 1. Identifiers: Orphanet 1333, MedGen C1847351, MONDO:0011739, OMIM 606856.

gnomAD v4.1: 14 of 1,613,980 alleles (0.00087%); highest among the groups gnomAD compares: East Asian, 0.031%; no homozygotes.

Submissions (3):

Labcorp Genetics (formerly Invitae), Labcorp
Classification: Likely benign for Pancreatic adenocarcinoma. Last evaluated: 2023-10-12. Review status: criteria provided, single submitter. Criteria: Invitae Variant Classification Sherloc (09022015). Collection method: clinical testing. Allele origin: germline.

Ambry Genetics
Classification: Likely benign. Last evaluated: 2022-04-05. Review status: criteria provided, single submitter. Criteria: Ambry Variant Classification Scheme 2023. Collection method: clinical testing. Allele origin: germline.

Illumina Laboratory Services, Illumina
Classification: Benign for Pancreatic cancer, susceptibility to, 1. Last evaluated: 2018-01-13. Review status: criteria provided, single submitter. Criteria: ICSL Variant Classification Criteria 13 December 2019. Collection method: clinical testing. Allele origin: germline.
Comment: This variant was observed in the ICSL laboratory as part of a predisposition screen in an ostensibly healthy population. It had not been previously curated by ICSL or reported in the Human Gene Mutation Database (HGMD: prior to June 1st, 2018), and was therefore a candidate for classification through an automated scoring system. Utilizing variant allele frequency, disease prevalence and penetrance estimates, and inheritance mode, an automated score was calculated to assess if this variant is too frequent to cause the disease. Based on the score and internal cut-off values, a variant classified as benign is not then subjected to further curation. The score for this variant resulted in a classification of benign for this disease.

NM_001166108.2(PALLD):c.3150A>G (p.Val1050=)

Genes: PALLD (palladin, cytoskeletal associated protein; plus strand), CBR4 (carbonyl reductase 4; minus strand). Cytogenetic location: 4q32.3.
Variant type: single nucleotide variant.
Coding change: c.3150A>G on transcript NM_001166108.2 (MANE Select); coding-DNA position 3150, A replaced by G.
Protein change: p.Val1050=; no amino-acid change (valine 1050 retained).
Molecular consequence: synonymous variant.
Genome position (GRCh38, 1-based): chr4:168,924,346, A>G. VCF-style: chr4-168924346-A-G. GRCh37 (hg19) VCF-style: chr4-169845497-A-G.
Other names: c.1953A>G, p.Val651= (NM_001166109.2); c.1638A>G, p.Val546= (NM_001166110.2); c.978A>G, p.Val326= (NM_001367567.1, NM_001367569.1); c.1029A>G, p.Val343= (NM_001367568.1, NM_001367570.1); c.3099A>G, p.Val1033= (NM_016081.4).
Identifiers: ClinVar variation 348046 (VCV000348046.14), dbSNP rs781516286, ClinGen allele CA3136052.